The following is an entry in ClinVar:

NM_001127222.2(CACNA1A):c.2280-212C>T

Gene: CACNA1A (calcium voltage-gated channel subunit alpha1 A; minus strand). Cytogenetic location: 19p13.13.
Variant type: single nucleotide variant.
Coding change: c.2280-212C>T on transcript NM_001127222.2 (MANE Select); 212 bases into the intron before coding-DNA position 2280, C replaced by T.
Molecular consequence: intron variant.
Genome position (GRCh38, 1-based): chr19:13,299,565, G>A on the plus strand (C>T on the coding strand, the complement: CACNA1A is on the minus strand). VCF-style: chr19-13299565-G-A. GRCh37 (hg19) VCF-style: chr19-13410379-G-A.
Other names: c.2283-212C>T (NM_001127221.2, NM_001174080.2); c.2292-212C>T (NM_000068.4, NM_023035.3).
Identifiers: ClinVar variation 680056 (VCV000680056.1), dbSNP rs56007854, ClinGen allele CA305506685.
Genomic context (GRCh38, chr19:13,299,565, plus strand): 5'-CAGGTCCCAGCCTCCTCTGCTCAAGAACCCTCCATGGCTCCCACCTGGCTAGGGGCAAAA[G>A]CCCAAGTCCTCCCCCCTGACCCAGAAGGCCCTGTGTAATCTGCTTGTCACCTCCTTGCCT-3'

ClinVar aggregate classification (germline): Benign (1 of 4 stars; one submission).

Allele frequency attached by ClinVar (database versions not stated): TOPMed 0.09777; gnomAD 0.10030 and 0.10762; 1000 Genomes Project 30x 0.13679; 1000 Genomes Project 0.14237.
gnomAD v4.1: 16,340 of 152,110 alleles (11%); highest among the groups gnomAD compares: South Asian, 28%; 1,152 homozygotes.

Submission:

GeneDx
Classification: Benign. Last evaluated: 2018-06-18. Review status: criteria provided, single submitter. Criteria: GeneDx Variant Classification (06012015). Collection method: clinical testing. Allele origin: germline. Affected: yes.
Comment: This variant is considered likely benign or benign based on one or more of the following criteria: it is a conservative change, it occurs at a poorly conserved position in the protein, it is predicted to be benign by multiple in silico algorithms, and/or has population frequency not consistent with disease.